The following is an entry in ClinVar:

ClinVar aggregate classification (germline): Uncertain significance (1 of 4 stars; one submission).

gnomAD v4.1: 2 of 1,613,682 alleles (0.00012%); highest among the groups gnomAD compares: Non-Finnish European, 0.00017%; no homozygotes.

Submission:

Labcorp Genetics (formerly Invitae), Labcorp
Classification: Uncertain significance. Last evaluated: 2024-06-25. Review status: criteria provided, single submitter. Criteria: Invitae Variant Classification Sherloc (09022015). Collection method: clinical testing. Allele origin: germline.
Comment: This sequence change replaces lysine, which is basic and polar, with glutamine, which is neutral and polar, at codon 4989 of the USH2A protein (p.Lys4989Gln). This variant is present in population databases (rs770658506, gnomAD 0.0009%). This variant has not been reported in the literature in individuals affected with USH2A-related conditions. ClinVar contains an entry for this variant (Variation ID: 2141634). Advanced modeling of protein sequence and biophysical properties (such as structural, functional, and spatial information, amino acid conservation, physicochemical variation, residue mobility, and thermodynamic stability) performed at Invitae indicates that this missense variant is not expected to disrupt USH2A protein function with a negative predictive value of 95%. In summary, the available evidence is currently insufficient to determine the role of this variant in disease. Therefore, it has been classified as a Variant of Uncertain Significance.

NM_206933.4(USH2A):c.14965A>C (p.Lys4989Gln)

Gene: USH2A (usherin; minus strand). Cytogenetic location: 1q41.
Variant type: single nucleotide variant.
Coding change: c.14965A>C on transcript NM_206933.4 (MANE Select); coding-DNA position 14965, A replaced by C.
Protein change: p.Lys4989Gln; replaces lysine 4989 with glutamine.
Molecular consequence: missense variant.
Genome position (GRCh38, 1-based): chr1:215,640,561, T>G on the plus strand (A>C on the coding strand, the complement: USH2A is on the minus strand). VCF-style: chr1-215640561-T-G. GRCh37 (hg19) VCF-style: chr1-215813903-T-G.
Other names: short protein forms K4989Q.
Identifiers: ClinVar variation 2141634 (VCV002141634.3), dbSNP rs770658506, ClinGen allele CA1392866.
Genomic context (GRCh38, chr1:215,640,561, plus strand): 5'-CGTAAAGCTGGGGAACAGAGCGCCTTCCACACTGAGAAACAGGAGTCAGAAACTAACTTT[T>G]GTCCGCCGTTCTCGGTATGTAGAGGGTGGTGTCCAAGCCGCTGTACACGCGTCGCCCTCC-3'
Protein context (NP_996816.3, residues 4979-4999): TTLYIPRTAD[Lys4989Gln]TFFFQVICTT